The following is an entry in ClinVar:

NM_000030.3(AGXT):c.-24C>G

Gene: AGXT (alanine--glyoxylate aminotransferase; plus strand). Cytogenetic location: 2q37.3.
Variant type: single nucleotide variant.
Coding change: c.-24C>G on transcript NM_000030.3 (MANE Select); 24 bases upstream of the start codon, C replaced by G.
Molecular consequence: 5 prime UTR variant.
Genome position (GRCh38, 1-based): chr2:240,868,842, C>G. VCF-style: chr2-240868842-C-G. GRCh37 (hg19) VCF-style: chr2-241808259-C-G.
Identifiers: ClinVar variation 895171 (VCV000895171.4), dbSNP rs192950967, ClinGen allele CA2208947.

ClinVar aggregate classification (germline): Likely benign (1 of 4 stars; one submission).

Conditions:
Primary hyperoxaluria, type I (HP1). Also called: GLYCOLIC ACIDURIA; HEPATIC AGT DEFICIENCY; OXALOSIS I; Primary hyperoxaluria type 1. Identifiers: Orphanet 416, Orphanet 93598, MedGen C0268164, MONDO:0009823, OMIM 259900. Disease mechanism: loss of function.

Allele frequency attached by ClinVar (database versions not stated): TOPMed 0.00123; 1000 Genomes Project 0.00260; 1000 Genomes Project 30x 0.00265.
gnomAD v4.1: 605 of 1,603,376 alleles (0.038%); highest among the groups gnomAD compares: East Asian, 1.2%; 6 homozygotes.

Submission:

Illumina Laboratory Services, Illumina
Classification: Likely benign for Primary hyperoxaluria, type I. Last evaluated: 2017-04-27. Review status: criteria provided, single submitter. Criteria: ICSL Variant Classification Criteria 13 December 2019. Collection method: clinical testing. Allele origin: germline.
Comment: This variant was observed as part of a predisposition screen in an ostensibly healthy population. A literature search was performed for the gene, cDNA change, and amino acid change (where applicable). No publications were found based on this search. Allele frequency data from public databases allowed determination this variant is unlikely to cause disease. Therefore, this variant is classified as likely benign.